The following is an entry in ClinVar:

NM_006164.5(NFE2L2):c.1232A>T (p.Gln411Leu)

Gene: NFE2L2 (NFE2 like bZIP transcription factor 2; minus strand). Cytogenetic location: 2q31.2.
Variant type: single nucleotide variant.
Coding change: c.1232A>T on transcript NM_006164.5 (MANE Select); coding-DNA position 1232, A replaced by T.
Protein change: p.Gln411Leu; replaces glutamine 411 with leucine.
Molecular consequence: missense variant.
Genome position (GRCh38, 1-based): chr2:177,231,371, T>A on the plus strand (A>T on the coding strand, the complement: NFE2L2 is on the minus strand). VCF-style: chr2-177231371-T-A. GRCh37 (hg19) VCF-style: chr2-178096099-T-A.
Other names: c.1142A>T, p.Gln381Leu (NM_001313902.2); c.1013A>T, p.Gln338Leu (NM_001313903.2); c.932A>T, p.Gln311Leu (NM_001313904.1); c.1184A>T, p.Gln395Leu (NM_001145412.3, NM_001313900.1, NM_001313901.1); c.1163A>T, p.Gln388Leu (NM_001145413.3); c.1232A>T (NM_006164.3); short protein forms Q395L, Q338L, Q411L, Q311L, Q381L, Q388L.
Identifiers: ClinVar variation 3014486 (VCV003014486.4), dbSNP rs760503518, ClinGen allele CA1979719.

ClinVar aggregate classification (germline): Uncertain significance. Review status: criteria provided, multiple submitters, no conflicts (2 of 4 stars). 2 submissions from 2 submitters: Uncertain significance (2). Last evaluated 2025-04-24.

Allele frequency attached by ClinVar (database versions not stated): gnomAD 0.00001; gnomAD exomes 0.00001; TOPMed 0.00001; ExAC 0.00002.
gnomAD v4.1: 23 of 1,614,152 alleles (0.0014%); highest among the groups gnomAD compares: Non-Finnish European, 0.0019%; no homozygotes.

Submissions (2):

Ambry Genetics
Classification: Uncertain significance. Last evaluated: 2025-04-24. Review status: criteria provided, single submitter. Criteria: Ambry Variant Classification Scheme 2023. Collection method: clinical testing. Allele origin: germline.

Labcorp Genetics (formerly Invitae), Labcorp
Classification: Uncertain significance. Last evaluated: 2023-08-02. Review status: criteria provided, single submitter. Criteria: Invitae Variant Classification Sherloc (09022015). Collection method: clinical testing. Allele origin: germline.
Comment: This variant has not been reported in the literature in individuals affected with NFE2L2-related conditions. This variant is present in population databases (rs760503518, gnomAD 0.002%). This sequence change replaces glutamine, which is neutral and polar, with leucine, which is neutral and non-polar, at codon 411 of the NFE2L2 protein (p.Gln411Leu). Advanced modeling of protein sequence and biophysical properties (such as structural, functional, and spatial information, amino acid conservation, physicochemical variation, residue mobility, and thermodynamic stability) performed at Invitae indicates that this missense variant is not expected to disrupt NFE2L2 protein function. In summary, the available evidence is currently insufficient to determine the role of this variant in disease. Therefore, it has been classified as a Variant of Uncertain Significance.